The following is an entry in ClinVar:

ClinVar aggregate classification (germline): Uncertain significance (1 of 4 stars; one submission).

Allele frequency attached by ClinVar (database versions not stated): gnomAD exomes below 0.00001; TOPMed below 0.00001; gnomAD 0.00001.
gnomAD v4.1: 3 of 1,551,180 alleles (0.00019%); highest among the groups gnomAD compares: African/African-American, 0.0041%; no homozygotes.

Submission:

Labcorp Genetics (formerly Invitae), Labcorp
Classification: Uncertain significance. Last evaluated: 2022-10-13. Review status: criteria provided, single submitter. Criteria: Invitae Variant Classification Sherloc (09022015). Collection method: clinical testing. Allele origin: germline.
Comment: This sequence change replaces serine, which is neutral and polar, with arginine, which is basic and polar, at codon 1137 of the UNC80 protein (p.Ser1137Arg). This variant is present in population databases (no rsID available, gnomAD 0.01%). This variant has not been reported in the literature in individuals affected with UNC80-related conditions. ClinVar contains an entry for this variant (Variation ID: 1385647). In summary, the available evidence is currently insufficient to determine the role of this variant in disease. Therefore, it has been classified as a Variant of Uncertain Significance. Algorithms developed to predict the effect of missense changes on protein structure and function are either unavailable or do not agree on the potential impact of this missense change (SIFT: "Not Available"; PolyPhen-2: "Benign"; Align-GVGD: "Not Available").

NM_001371986.1(UNC80):c.3405T>A (p.Ser1135Arg)

Gene: UNC80 (unc-80 subunit of NALCN channel complex; plus strand). Cytogenetic location: 2q34.
Variant type: single nucleotide variant.
Coding change: c.3405T>A on transcript NM_001371986.1 (MANE Select); coding-DNA position 3405, T replaced by A.
Protein change: p.Ser1135Arg; replaces serine 1135 with arginine.
Molecular consequence: missense variant.
Genome position (GRCh38, 1-based): chr2:209,842,397, T>A. VCF-style: chr2-209842397-T-A. GRCh37 (hg19) VCF-style: chr2-210707121-T-A.
Other names: c.3411T>A, p.Ser1137Arg (NM_032504.2); c.3396T>A, p.Ser1132Arg (NM_182587.4); short protein forms S1137R, S1132R, S1135R.
Identifiers: ClinVar variation 1385647 (VCV001385647.8), dbSNP rs931894421, ClinGen allele CA65032166.